The following is an entry in ClinVar:

NM_000093.5(COL5A1):c.3958G>T (p.Ala1320Ser)

Gene: COL5A1 (collagen type V alpha 1 chain; plus strand). Cytogenetic location: 9q34.3.
Variant type: single nucleotide variant.
Coding change: c.3958G>T on transcript NM_000093.5 (MANE Select); coding-DNA position 3958, G replaced by T.
Protein change: p.Ala1320Ser; replaces alanine 1320 with serine.
Molecular consequence: missense variant.
Genome position (GRCh38, 1-based): chr9:134,814,848, G>T. VCF-style: chr9-134814848-G-T. GRCh37 (hg19) VCF-style: chr9-137706694-G-T.
Other names: c.3958G>T, p.Ala1320Ser (NM_001278074.1); short protein forms A1320S.
Identifiers: ClinVar variation 2745910 (VCV002745910.3), dbSNP rs2490832103, ClinGen allele CA375456080.

ClinVar aggregate classification (germline): Uncertain significance (1 of 4 stars; one submission).

Conditions:
Ehlers-Danlos syndrome, classic type, 1 (EDSCL1). Also called: EHLERS-DANLOS SYNDROME, GRAVIS TYPE; EHLERS-DANLOS SYNDROME, SEVERE CLASSIC TYPE; Ehlers-Danlos syndrome, type 1; Ehlers-Danlos Syndrome, Classic Type, COL5A1-Related; EDS I. Identifiers: MedGen C0268335, MONDO:0019567, OMIM 130000.

Submission:

Labcorp Genetics (formerly Invitae), Labcorp
Classification: Uncertain significance for Ehlers-Danlos syndrome, classic type, 1. Last evaluated: 2023-10-06. Review status: criteria provided, single submitter. Criteria: Invitae Variant Classification Sherloc (09022015). Collection method: clinical testing. Allele origin: germline.
Comment: This sequence change replaces alanine, which is neutral and non-polar, with serine, which is neutral and polar, at codon 1320 of the COL5A1 protein (p.Ala1320Ser). This variant is not present in population databases (gnomAD no frequency). This variant has not been reported in the literature in individuals affected with COL5A1-related conditions. Advanced modeling of protein sequence and biophysical properties (such as structural, functional, and spatial information, amino acid conservation, physicochemical variation, residue mobility, and thermodynamic stability) performed at Invitae indicates that this missense variant is not expected to disrupt COL5A1 protein function. In summary, the available evidence is currently insufficient to determine the role of this variant in disease. Therefore, it has been classified as a Variant of Uncertain Significance.